The following is an entry in ClinVar:

ClinVar aggregate classification (germline): Uncertain significance (1 of 4 stars; one submission).

Allele frequency attached by ClinVar (database versions not stated): gnomAD 0.00001.
gnomAD v4.1: 18 of 1,432,252 alleles (0.0013%); highest among the groups gnomAD compares: Non-Finnish European, 0.0017%; no homozygotes.

Submission:

Labcorp Genetics (formerly Invitae), Labcorp
Classification: Uncertain significance. Last evaluated: 2022-07-25. Review status: criteria provided, single submitter. Criteria: Invitae Variant Classification Sherloc (09022015). Collection method: clinical testing. Allele origin: germline.
Comment: In summary, the available evidence is currently insufficient to determine the role of this variant in disease. Therefore, it has been classified as a Variant of Uncertain Significance. Algorithms developed to predict the effect of missense changes on protein structure and function output the following: SIFT: "Tolerated"; PolyPhen-2: "Not Available"; Align-GVGD: "Class C0". The proline amino acid residue is found in multiple mammalian species, which suggests that this missense change does not adversely affect protein function. ClinVar contains an entry for this variant (Variation ID: 1386172). This variant has not been reported in the literature in individuals affected with FBXO11-related conditions. This variant is not present in population databases (gnomAD no frequency). This sequence change replaces glutamine, which is neutral and polar, with proline, which is neutral and non-polar, at codon 26 of the FBXO11 protein (p.Gln26Pro).

NM_001190274.2(FBXO11):c.77A>C (p.Gln26Pro)

Genes: FBXO11 (F-box protein 11; minus strand), LOC100506235 (uncharacterized LOC100506235; plus strand). Cytogenetic location: 2p16.3.
Variant type: single nucleotide variant.
Coding change: c.77A>C on transcript NM_001190274.2 (MANE Select); coding-DNA position 77, A replaced by C.
Protein change: p.Gln26Pro; replaces glutamine 26 with proline.
Molecular consequence: missense variant.
Genome position (GRCh38, 1-based): chr2:47,905,644, T>G on the plus strand (A>C on the coding strand, the complement: FBXO11 is on the minus strand). VCF-style: chr2-47905644-T-G. GRCh37 (hg19) VCF-style: chr2-48132783-T-G.
Other names: short protein forms Q26P.
Identifiers: ClinVar variation 1386172 (VCV001386172.8), dbSNP rs1465335735, ClinGen allele CA346812918.